The following is an entry in ClinVar:

ClinVar aggregate classification (germline): Benign/Likely benign. Review status: criteria provided, multiple submitters, no conflicts (2 of 4 stars). 12 submissions from 12 submitters: Benign (2); Likely benign (9). 1 of the submissions does not count toward it. Last evaluated 2026-08-01.

Conditions:
FKRP-related disorder. Also called: FKRP-related condition.
Cardiovascular phenotype. Identifiers: MedGen CN230736.
Walker-Warburg congenital muscular dystrophy. Also called: Muscular dystrophy-dystroglycanopathy, type A; Walker-Warburg syndrome. Identifiers: Orphanet 899, MedGen C0265221, MONDO:0000171.

Allele frequency attached by ClinVar (database versions not stated): 1000 Genomes Project 30x 0.00047; 1000 Genomes Project 0.00060; gnomAD 0.00060 and 0.00067; TOPMed 0.00065; gnomAD exomes 0.00097 and 0.00123; ESP Exome Variant Server 0.00126; ExAC 0.00165.
gnomAD v4.1: 1,800 of 1,544,314 alleles (0.12%); highest among the groups gnomAD compares: South Asian, 0.31%; 13 homozygotes.

Submissions (12):

CeGaT Center for Human Genetics Tuebingen
Classification: Likely benign. Last evaluated: 2026-08-01. Review status: criteria provided, single submitter. Criteria: CeGaT Center For Human Genetics Tuebingen Variant Classification Criteria Version 2. Collection method: clinical testing. Allele origin: germline. Affected: yes. Observed: 5 variant alleles.
Comment: FKRP: BP4, BP7, BS2

Labcorp Genetics (formerly Invitae), Labcorp
Classification: Benign for Walker-Warburg congenital muscular dystrophy. Last evaluated: 2026-02-04. Review status: criteria provided, single submitter. Criteria: Invitae Variant Classification Sherloc (09022015). Collection method: clinical testing. Allele origin: germline.

Mayo Clinic Laboratories, Mayo Clinic
Classification: Likely benign. Last evaluated: 2025-07-02. Review status: criteria provided, single submitter. Criteria: ACMG Guidelines, 2015. Collection method: clinical testing. Allele origin: germline. Observed: 7 variant alleles.
Comment: BS2, BP4, BP7

Molecular Diagnostic Laboratory for Inherited Cardiovascular Disease, Montreal Heart Institute
Classification: Likely benign. Last evaluated: 2025-04-09. Review status: criteria provided, single submitter. Criteria: ACMG Guidelines, 2015. Collection method: clinical testing. Allele origin: germline. Affected: no.

Women's Health and Genetics/Laboratory Corporation of America, LabCorp
Classification: Likely benign. Last evaluated: 2024-01-22. Review status: criteria provided, single submitter. Criteria: LabCorp Variant Classification Summary - May 2015. Collection method: clinical testing. Allele origin: germline.

Ambry Genetics
Classification: Likely benign for Cardiovascular phenotype. Last evaluated: 2019-01-31. Review status: criteria provided, single submitter. Criteria: Ambry Variant Classification Scheme 2023. Collection method: clinical testing. Allele origin: germline.

GeneDx
Classification: Likely benign. Last evaluated: 2018-01-23. Review status: criteria provided, single submitter. Criteria: GeneDx Variant Classification (06012015). Collection method: clinical testing. Allele origin: germline. Affected: yes.
Comment: This variant is considered likely benign or benign based on one or more of the following criteria: it is a conservative change, it occurs at a poorly conserved position in the protein, it is predicted to be benign by multiple in silico algorithms, and/or has population frequency not consistent with disease.

Genetic Services Laboratory, University of Chicago
Classification: Likely benign. Last evaluated: 2017-11-03. Review status: criteria provided, single submitter. Criteria: ACMG Guidelines, 2015. Collection method: clinical testing. Allele origin: germline. Affected: no.

Athena Diagnostics
Classification: Benign. Last evaluated: 2017-06-14. Review status: criteria provided, single submitter. Criteria: Athena Diagnostics Criteria. Collection method: clinical testing. Allele origin: germline.

Eurofins Ntd Llc (ga)
Classification: Likely benign. Last evaluated: 2014-07-18. Review status: criteria provided, single submitter. Criteria: EGL Classification Definitions 2015. Collection method: clinical testing. Allele origin: germline. Observed: 1 variant allele, 1 heterozygote.

Breakthrough Genomics
Classification: Likely benign. Review status: criteria provided, single submitter. Criteria: ACMG Guidelines, 2015. Collection method: not provided. Allele origin: germline. Inheritance: Autosomal recessive inheritance. Affected: yes.

PreventionGenetics, part of Exact Sciences
Classification: Likely benign for FKRP-related condition. Last evaluated: 2019-09-04. Review status: no assertion criteria provided. Collection method: clinical testing. Allele origin: germline. Not counted in ClinVar's aggregate classification.
Comment: This variant is classified as likely benign based on ACMG/AMP sequence variant interpretation guidelines (Richards et al. 2015 PMID: 25741868, with internal and published modifications).

NM_024301.5(FKRP):c.636G>A (p.Ala212=)

Gene: FKRP (fukutin related protein; plus strand). Cytogenetic location: 19q13.32.
Variant type: single nucleotide variant.
Coding change: c.636G>A on transcript NM_024301.5 (MANE Select); coding-DNA position 636, G replaced by A.
Protein change: p.Ala212=; no amino-acid change (alanine 212 retained).
Molecular consequence: synonymous variant.
Genome position (GRCh38, 1-based): chr19:46,756,086, G>A. VCF-style: chr19-46756086-G-A. GRCh37 (hg19) VCF-style: chr19-47259343-G-A.
Other names: p.Ala212=; c.636G>A, p.Ala212= (NM_001039885.3).
Identifiers: ClinVar variation 197340 (VCV000197340.52), dbSNP rs370099812, ClinGen allele CA202830.
Genomic context (GRCh38, chr19:46,756,086, plus strand): 5'-CGCCCTGGACGGAGATGCTGTGGTGCTCCTGCGCGCCCGCGACCTCTTCAACCTCTCGGC[G>A]CCCCTGGCCCGGCCGGTGGGCACCAGCCTCTTTCTGCAGACCGCCCTTCGCGGCTGGGCG-3'
Protein context (NP_077277.1, residues 202-222): LRARDLFNLS[Ala212=]PLARPVGTSL